The following is an entry in ClinVar:

NM_001267550.2(TTN):c.53192T>A (p.Ile17731Asn)

Genes: TTN (titin; minus strand), TTN-AS1 (TTN antisense RNA 1; plus strand), LOC126806425 (BRD4-independent group 4 enhancer GRCh37_chr2:179471933-179473132; plus strand). Cytogenetic location: 2q31.2.
Variant type: single nucleotide variant.
Coding change: c.53192T>A on transcript NM_001267550.2 (MANE Select); coding-DNA position 53192, T replaced by A.
Protein change: p.Ile17731Asn; replaces isoleucine 17731 with asparagine.
Molecular consequence: missense variant.
Genome position (GRCh38, 1-based): chr2:178,607,496, A>T on the plus strand (T>A on the coding strand, the complement: TTN is on the minus strand). VCF-style: chr2-178607496-A-T. GRCh37 (hg19) VCF-style: chr2-179472223-A-T.
Other names: c.48269T>A, p.Ile16090Asn (NM_001256850.1); c.25997T>A, p.Ile8666Asn (NM_003319.4); c.45488T>A, p.Ile15163Asn (NM_133378.4); c.26372T>A, p.Ile8791Asn (NM_133432.3); c.26573T>A, p.Ile8858Asn (NM_133437.4); short protein forms I15163N, I16090N, I17731N, I8666N, I8791N, I8858N.
Identifiers: ClinVar variation 4879477 (VCV004879477.1).

ClinVar aggregate classification (germline): Uncertain significance (1 of 4 stars; one submission).

Conditions:
Myopathy, myofibrillar, 9, with early respiratory failure (MFM9). Also called: Hereditary myopathy with early respiratory failure; EDSTROM MYOPATHY; Myopathy, distal, with early respiratory failure, autosomal dominant; MYOPATHY, PROXIMAL, WITH EARLY RESPIRATORY MUSCLE INVOLVEMENT. Identifiers: Orphanet 178464, Orphanet 34521, MedGen C1863599, MONDO:0011362, OMIM 603689.

gnomAD v4.1: 2 of 1,613,258 alleles (0.00012%); highest among the groups gnomAD compares: African/African-American, 0.0027%; no homozygotes.

Submission:

Clinical Genomics Laboratory, Washington University in St. Louis
Classification: Uncertain significance for Myopathy, myofibrillar, 9, with early respiratory failure. Last evaluated: 2026-01-08. Review status: criteria provided, single submitter. Criteria: ACMG Guidelines, 2015. Collection method: clinical testing. Allele origin: germline.
Comment: The TTN c.53192T>A (p.Ile17731Asn) variant, to our knowledge, has not been reported in the medical literature and is only observed on 2/1,613,258 alleles in the general population (gnomAD v4.1.0), indicating it is not a common variant. Computational predictors indicate that the variant is damaging, evidence that correlates with impact to TTN function. This variant is present in the N2BA cardiac long isoform transcript. This is a missense variant located in the A-band that binds myosin and myosin-binding protein stabilizes the thick filament. This exon has a high percentage/proportion spliced-in (PSI > 0.9), meaning it is a highly expressed exon incorporated into either the N2B or N2BA isoforms (Vatta M et al., PMID: 39968638). Truncating variants in exons with high PSI, mainly in the A-band and distal I-band, have stronger evidence of pathogenicity and are associated with dilated cardiomyopathy (DCM) (Roberts AM et al., PMID: 25589632; Schafer et al., PMID: 27869827). Due to limited information, and based on ACMG/AMP guidelines for variant interpretation (Richards S et al., PMID: 25741868), the clinical significance of this variant is uncertain at this time.